The following is an entry in ClinVar:

ClinVar aggregate classification (germline): Uncertain significance (1 of 4 stars; one submission).

Conditions:
Juvenile polyposis/hereditary hemorrhagic telangiectasia syndrome (JPHT). Also called: JP/HHT SYNDROME; JUVENILE POLYPOSIS WITH HEREDITARY HEMORRHAGIC TELANGIECTASIA; POLYPOSIS, GENERALIZED JUVENILE, WITH PULMONARY ARTERIOVENOUS MALFORMATION; TELANGIECTASIA, HEREDITARY HEMORRHAGIC, WITH JUVENILE POLYPOSIS COLI; Juvenile Polyposis Syndrome / Hereditary Hemorrhagic Telangiectasia (JPS/HHT). Identifiers: Orphanet 2929, MedGen C1832942, MONDO:0008278, OMIM 175050.

Submission:

All of Us Research Program, National Institutes of Health
Classification: Uncertain significance for Juvenile polyposis/hereditary hemorrhagic telangiectasia syndrome. Last evaluated: 2024-03-05. Review status: criteria provided, single submitter. Criteria: ACMG Guidelines, 2015. Collection method: clinical testing. Allele origin: germline. Inheritance: Autosomal dominant inheritance. Observed: 3 variant alleles, 3 heterozygotes.
Comment: This study involves interpretation of variants in research participants for the purpose of population health screening. Participant phenotype was not available at the time of variant classification. Additional details can be found in publication PMID: 35346344, PMCID: PMC8962531

NM_005359.6(SMAD4):c.904+1_904+2insGCCTGTTCACAATGAGCTTGCATTCCAGCCTCCCATTTCCAATCATCCTGCTCCTGAGTATTGGTGTTCCA

Gene: SMAD4 (SMAD family member 4; plus strand). Cytogenetic location: 18q21.2.
Variant type: Insertion.
Coding change: c.904+1_904+2insGCCTGTTCACAATGAGCTTGCATTCCAGCCTCCCATTTCCAATCATCCTGCTCCTGAGTATTGGTGTTCCA on transcript NM_005359.6 (MANE Select); the canonical splice donor site of the intron after coding-DNA position 904, GCCTGTTCACAATGAGCTTGCATTCCAGCCTCCCATTTCCAATCATCCTGCTCCTGAGTATTGGTGTTCCA inserted.
Molecular consequence: splice donor variant.
Genome position: GRCh38: chr18:51,058,457-51,058,458. GRCh37 (hg19): chr18:48,584,827-48,584,828.
Other names: c.904+1_904+2insGCCTGTTCACAATGAGCTTGCATTCCAGCCTCCCATTTCCAATCATCCTGCTCCTGAGTATTGGTGTTCCA (NM_001407042.1, NM_001407041.1, NM_001407043.1).
Identifiers: ClinVar variation 3386028 (VCV003386028.1).